The following is an entry in ClinVar:

NM_001286.5(CLCN6):c.1471C>T (p.Pro491Ser)

Gene: CLCN6 (Cl-/H+ antiporter 6; plus strand). Cytogenetic location: 1p36.22.
Variant type: single nucleotide variant.
Coding change: c.1471C>T on transcript NM_001286.5 (MANE Select); coding-DNA position 1471, C replaced by T.
Protein change: p.Pro491Ser; replaces proline 491 with serine.
Molecular consequence: missense variant. On other transcripts: non-coding transcript variant (1).
Genome position (GRCh38, 1-based): chr1:11,833,975, C>T. VCF-style: chr1-11833975-C-T. GRCh37 (hg19) VCF-style: chr1-11894032-C-T.
Other names: c.1405C>T, p.Pro469Ser (NM_001256959.2); short protein forms P469S, P491S.
Identifiers: ClinVar variation 4881814 (VCV004881814.2).

ClinVar aggregate classification (germline): Uncertain significance (1 of 4 stars; one submission).

Conditions:
Neuronal ceroid lipofuscinosis 15. Also called: Neurodegeneration, childhood-onset, hypotonia, respiratory insufficiency and brain imaging abnormalities; Neurodegeneration, childhood-onset, with hypotonia, respiratory insufficiency, and brain imaging abnormalities. Identifiers: Orphanet 610573, MedGen C5543020, MONDO:0030947, OMIM 619173.

Submission:

Dasa
Classification: Uncertain significance for Neuronal ceroid lipofuscinosis 15. Last evaluated: 2025-12-03. Review status: criteria provided, single submitter. Criteria: DASA Assertion Criteria. Collection method: clinical testing. Allele origin: germline.
Comment: NM_001286.5(CLCN6):c.1471C>T (p.Pro491Ser) is a missense variant that results in the substitution of proline with serine. This variant is absent from population databases. Computational prediction algorithms are consistent with a deleterious effect. The currently available literature and clinical evidence are not sufficient to establish a definitive association between this variant and the reported condition. Therefore, this variant is classified as a variant of uncertain significance.